The following is an entry in ClinVar:

ClinVar aggregate classification (germline): Uncertain significance. Review status: criteria provided, multiple submitters, no conflicts (2 of 4 stars). 2 submissions from 2 submitters: Uncertain significance (2). Last evaluated 2024-10-25.

Conditions:
Inborn genetic diseases. Identifiers: MedGen C0950123, MeSH D030342.

Allele frequency attached by ClinVar (database versions not stated): gnomAD 0.00001; gnomAD exomes 0.00002; TOPMed 0.00003; ExAC 0.00007.
gnomAD v4.1: 38 of 1,613,416 alleles (0.0024%); highest among the groups gnomAD compares: East Asian, 0.038%; no homozygotes.

Submissions (2):

Labcorp Genetics (formerly Invitae), Labcorp
Classification: Uncertain significance. Last evaluated: 2024-10-25. Review status: criteria provided, single submitter. Criteria: Invitae Variant Classification Sherloc (09022015). Collection method: clinical testing. Allele origin: germline.
Comment: This sequence change replaces arginine, which is basic and polar, with glutamine, which is neutral and polar, at codon 28 of the EIF2B1 protein (p.Arg28Gln). This variant is present in population databases (rs773413619, gnomAD 0.09%). This variant has not been reported in the literature in individuals affected with EIF2B1-related conditions. ClinVar contains an entry for this variant (Variation ID: 1915443). Invitae Evidence Modeling of protein sequence and biophysical properties (such as structural, functional, and spatial information, amino acid conservation, physicochemical variation, residue mobility, and thermodynamic stability) indicates that this missense variant is not expected to disrupt EIF2B1 protein function with a negative predictive value of 80%. In summary, the available evidence is currently insufficient to determine the role of this variant in disease. Therefore, it has been classified as a Variant of Uncertain Significance.

Ambry Genetics
Classification: Uncertain significance for Inborn genetic diseases. Last evaluated: 2023-12-04. Review status: criteria provided, single submitter. Criteria: Ambry Variant Classification Scheme 2023. Collection method: clinical testing. Allele origin: germline.

NM_001414.4(EIF2B1):c.83G>A (p.Arg28Gln)

Gene: EIF2B1 (eukaryotic translation initiation factor 2B subunit alpha; minus strand). Cytogenetic location: 12q24.31.
Variant type: single nucleotide variant.
Coding change: c.83G>A on transcript NM_001414.4 (MANE Select); coding-DNA position 83, G replaced by A.
Protein change: p.Arg28Gln; replaces arginine 28 with glutamine.
Molecular consequence: missense variant.
Genome position (GRCh38, 1-based): chr12:123,632,377, C>T on the plus strand (G>A on the coding strand, the complement: EIF2B1 is on the minus strand). VCF-style: chr12-123632377-C-T. GRCh37 (hg19) VCF-style: chr12-124116924-C-T.
Other names: c.83G>A (NM_001414.3); short protein forms R28Q.
Identifiers: ClinVar variation 1915443 (VCV001915443.4), dbSNP rs773413619, ClinGen allele CA6860238.